The following is an entry in ClinVar:

ClinVar aggregate classification (germline): Uncertain significance. Review status: criteria provided, multiple submitters, no conflicts (2 of 4 stars). 4 submissions from 4 submitters: Uncertain significance (4). Last evaluated 2026-01-19.

Conditions:
Pyruvate carboxylase deficiency. Also called: Pyruvate Carboxylase Deficiency Disease; PC DEFICIENCY; ATAXIA WITH LACTIC ACIDOSIS II; LEIGH NECROTIZING ENCEPHALOPATHY DUE TO PYRUVATE CARBOXYLASE DEFICIENCY; LEIGH SYNDROME DUE TO PYRUVATE CARBOXYLASE DEFICIENCY. Identifiers: Orphanet 3008, MedGen C0034341, MONDO:0009949, OMIM 266150.
Inborn genetic diseases. Identifiers: MedGen C0950123, MeSH D030342.

Allele frequency attached by ClinVar (database versions not stated): gnomAD exomes 0.00002; gnomAD 0.00003; TOPMed 0.00005.
gnomAD v4.1: 38 of 1,590,748 alleles (0.0024%); highest among the groups gnomAD compares: Admixed American, 0.028%; no homozygotes.

Submissions (4):

Labcorp Genetics (formerly Invitae), Labcorp
Classification: Uncertain significance for Pyruvate carboxylase deficiency. Last evaluated: 2026-01-19. Review status: criteria provided, single submitter. Criteria: Invitae Variant Classification Sherloc (09022015). Collection method: clinical testing. Allele origin: germline.
Comment: This sequence change replaces glycine, which is neutral and non-polar, with serine, which is neutral and polar, at codon 87 of the PC protein (p.Gly87Ser). This variant is present in population databases (rs770055702, gnomAD 0.04%). This variant has not been reported in the literature in individuals affected with PC-related conditions. ClinVar contains an entry for this variant (Variation ID: 2050548). Invitae Evidence Modeling of protein sequence and biophysical properties (such as structural, functional, and spatial information, amino acid conservation, physicochemical variation, residue mobility, and thermodynamic stability) has been performed for this missense variant. However, the output from this modeling did not meet the statistical confidence thresholds required to predict the impact of this variant on PC protein function. In summary, the available evidence is currently insufficient to determine the role of this variant in disease. Therefore, it has been classified as a Variant of Uncertain Significance.

Mayo Clinic Laboratories, Mayo Clinic
Classification: Uncertain significance. Last evaluated: 2025-11-28. Review status: criteria provided, single submitter. Criteria: ACMG Guidelines, 2015. Collection method: clinical testing. Allele origin: germline. Observed: 1 variant allele.
Comment: PP3_strong

Ambry Genetics
Classification: Uncertain significance for Inborn genetic diseases. Last evaluated: 2025-08-02. Review status: criteria provided, single submitter. Criteria: Ambry Variant Classification Scheme 2023. Collection method: clinical testing. Allele origin: germline.

Blueprint Genetics
Classification: Uncertain significance. Last evaluated: 2024-06-11. Review status: criteria provided, single submitter. Criteria: ACMG Guidelines, 2015. Collection method: clinical testing. Allele origin: germline.

NM_001040716.2(PC):c.259G>A (p.Gly87Ser)

Gene: PC (pyruvate carboxylase; minus strand). Cytogenetic location: 11q13.2.
Variant type: single nucleotide variant.
Coding change: c.259G>A on transcript NM_001040716.2 (MANE Select); coding-DNA position 259, G replaced by A.
Protein change: p.Gly87Ser; replaces glycine 87 with serine.
Molecular consequence: missense variant.
Genome position (GRCh38, 1-based): chr11:66,871,749, C>T on the plus strand (G>A on the coding strand, the complement: PC is on the minus strand). VCF-style: chr11-66871749-C-T. GRCh37 (hg19) VCF-style: chr11-66639220-C-T.
Other names: p.Gly87Ser; c.259G>A, p.Gly87Ser (NM_000920.4, NM_022172.3); c.259G>A (NM_000920.3); short protein forms G87S.
Identifiers: ClinVar variation 2050548 (VCV002050548.5), dbSNP rs770055702, ClinGen allele CA6132267.